The following is an entry in ClinVar:

ClinVar aggregate classification (germline): Uncertain significance (1 of 4 stars; one submission).

Conditions:
MHC class II deficiency. Also called: Bare lymphocyte syndrome 2; BLS, TYPE II. Identifiers: Orphanet 572, MedGen C5447452, MONDO:0008855.

Allele frequency attached by ClinVar (database versions not stated): gnomAD exomes below 0.00001.
gnomAD v4.1: 6 of 1,613,934 alleles (0.00037%); highest among the groups gnomAD compares: Admixed American, 0.0017%; no homozygotes.

Submission:

Labcorp Genetics (formerly Invitae), Labcorp
Classification: Uncertain significance for MHC class II deficiency. Last evaluated: 2023-12-07. Review status: criteria provided, single submitter. Criteria: Invitae Variant Classification Sherloc (09022015). Collection method: clinical testing. Allele origin: germline.
Comment: This sequence change replaces glutamic acid, which is acidic and polar, with lysine, which is basic and polar, at codon 219 of the RFXANK protein (p.Glu219Lys). This variant is present in population databases (no rsID available, gnomAD 0.0009%). This variant has not been reported in the literature in individuals affected with RFXANK-related conditions. ClinVar contains an entry for this variant (Variation ID: 2153021). Advanced modeling of protein sequence and biophysical properties (such as structural, functional, and spatial information, amino acid conservation, physicochemical variation, residue mobility, and thermodynamic stability) performed at Invitae indicates that this missense variant is expected to disrupt RFXANK protein function with a positive predictive value of 80%. In summary, the available evidence is currently insufficient to determine the role of this variant in disease. Therefore, it has been classified as a Variant of Uncertain Significance.

NM_003721.4(RFXANK):c.655G>A (p.Glu219Lys)

Gene: RFXANK (regulatory factor X associated ankyrin containing protein; plus strand). Cytogenetic location: 19p13.11.
Variant type: single nucleotide variant.
Coding change: c.655G>A on transcript NM_003721.4 (MANE Select); coding-DNA position 655, G replaced by A.
Protein change: p.Glu219Lys; replaces glutamic acid 219 with lysine.
Molecular consequence: missense variant.
Genome position (GRCh38, 1-based): chr19:19,199,177, G>A. VCF-style: chr19-19199177-G-A. GRCh37 (hg19) VCF-style: chr19-19309986-G-A.
Other names: c.589G>A, p.Glu197Lys (NM_001278727.2, NM_001370234.1); c.586G>A, p.Glu196Lys (NM_001278728.2, NM_134440.3); c.655G>A, p.Glu219Lys (NM_001370233.1, NM_001370238.1); c.652G>A, p.Glu218Lys (NM_001370235.1, NM_001370236.1, NM_001370237.1); short protein forms E197K, E196K, E219K, E218K.
Identifiers: ClinVar variation 2153021 (VCV002153021.4), dbSNP rs1481038979, ClinGen allele CA404897362.
Genomic context (GRCh38, chr19:19,199,177, plus strand): 5'-GGCCCCACCCTCCAGCGCCCTCCCCTCTCCTTTGCAGCCCGAGGCGCTGACCTCACCACC[G>A]AAGCCGACTCTGGCTACACCCCGATGGACCTTGCCGTGGCCCTGGGATACCGGAAAGGTC-3'
Protein context (NP_003712.1, residues 209-229): LLARGADLTT[Glu219Lys]ADSGYTPMDL